The following is an entry in ClinVar:

ClinVar aggregate classification (germline): Uncertain significance (1 of 4 stars; one submission).

Conditions:
Cardiovascular phenotype. Identifiers: MedGen CN230736.

Submission:

Ambry Genetics
Classification: Uncertain significance for Cardiovascular phenotype. Last evaluated: 2025-09-17. Review status: criteria provided, single submitter. Criteria: Ambry Variant Classification Scheme 2023. Collection method: clinical testing. Allele origin: germline.
Comment: The p.I833V variant (also known as c.2497A>G), located in coding exon 15 of the EPHB4 gene, results from an A to G substitution at nucleotide position 2497. The isoleucine at codon 833 is replaced by valine, an amino acid with highly similar properties. This amino acid position is conserved. In addition, the in silico prediction for this alteration is inconclusive. Based on the available evidence, the clinical significance of this variant remains unclear.

NM_004444.5(EPHB4):c.2497A>G (p.Ile833Val)

Genes: EPHB4 (EPH receptor B4; minus strand), LOC126860124 (CDK7 strongly-dependent group 2 enhancer GRCh37_chr7:100403701-100404900; plus strand). Cytogenetic location: 7q22.1.
Variant type: single nucleotide variant.
Coding change: c.2497A>G on transcript NM_004444.5 (MANE Select); coding-DNA position 2497, A replaced by G.
Protein change: p.Ile833Val; replaces isoleucine 833 with valine.
Molecular consequence: missense variant.
Genome position (GRCh38, 1-based): chr7:100,805,682, T>C on the plus strand (A>G on the coding strand, the complement: EPHB4 is on the minus strand). VCF-style: chr7-100805682-T-C. GRCh37 (hg19) VCF-style: chr7-100403304-T-C.
Other names: short protein forms I833V.
Identifiers: ClinVar variation 4614122 (VCV004614122.1).